The following is an entry in ClinVar:

ClinVar aggregate classification (germline): Benign/Likely benign. Review status: criteria provided, multiple submitters, no conflicts (2 of 4 stars). 11 submissions from 10 submitters: Benign (5); Likely benign (5). 1 of the submissions does not count toward it. Last evaluated 2026-02-01.

Conditions:
NOTCH1-related disorder. Also called: NOTCH1-related condition; NOTCH1-related disorders.
Adams-Oliver syndrome 5 (AOS5). Identifiers: Orphanet 974, MedGen C4014970, MONDO:0014459, OMIM 616028.
Aortic valve disease 1 (AOVD1). Identifiers: MedGen C3887892, MONDO:0024523, OMIM 109730.
Familial thoracic aortic aneurysm and aortic dissection (TAAD). Also called: Thoracic aortic aneurysms and dissections. Identifiers: Orphanet 91387, MedGen C4707243, MONDO:0019625.

Allele frequency attached by ClinVar (database versions not stated): gnomAD exomes 0.00014 and 0.00037; ExAC 0.00058; 1000 Genomes Project 0.00140; 1000 Genomes Project 30x 0.00156; gnomAD 0.00165 and 0.00178; TOPMed 0.00187; ESP Exome Variant Server 0.00197.
gnomAD v4.1: 464 of 1,609,088 alleles (0.029%); highest among the groups gnomAD compares: African/African-American, 0.57%; 2 homozygotes.

Submissions (11):

Labcorp Genetics (formerly Invitae), Labcorp
Classification: Benign for Adams-Oliver syndrome 5. Last evaluated: 2026-02-01. Review status: criteria provided, single submitter. Criteria: Invitae Variant Classification Sherloc (09022015). Collection method: clinical testing. Allele origin: germline.

CeGaT Center for Human Genetics Tuebingen
Classification: Likely benign. Last evaluated: 2026-01-01. Review status: criteria provided, single submitter. Criteria: CeGaT Center For Human Genetics Tuebingen Variant Classification Criteria Version 2. Collection method: clinical testing. Allele origin: germline. Affected: yes. Observed: 1 variant allele.
Comment: NOTCH1: BP4, BS1

Blueprint Genetics
Classification: Likely benign. Last evaluated: 2024-11-19. Review status: criteria provided, single submitter. Criteria: ACMG Guidelines, 2015. Collection method: clinical testing. Allele origin: germline.

Women's Health and Genetics/Laboratory Corporation of America, LabCorp
Classification: Benign. Last evaluated: 2024-08-27. Review status: criteria provided, single submitter. Criteria: LabCorp Variant Classification Summary - May 2015. Collection method: clinical testing. Allele origin: germline.

Genome-Nilou Lab
Classification: Benign for Adams-Oliver syndrome 5. Last evaluated: 2022-03-15. Review status: criteria provided, single submitter. Criteria: ACMG Guidelines, 2015. Collection method: clinical testing. Allele origin: germline. Affected: no.

Genome-Nilou Lab
Classification: Benign for Aortic valve disease 1. Last evaluated: 2022-03-15. Review status: criteria provided, single submitter. Criteria: ACMG Guidelines, 2015. Collection method: clinical testing. Allele origin: germline. Affected: no.

Fulgent Genetics
Classification: Likely benign for Aortic valve disease 1; Adams-Oliver syndrome 5. Last evaluated: 2021-10-12. Review status: criteria provided, single submitter. Criteria: ACMG Guidelines, 2015. Collection method: clinical testing. Allele origin: unknown.

GeneDx
Classification: Likely benign. Last evaluated: 2020-07-20. Review status: criteria provided, single submitter. Criteria: GeneDx Variant Classification Process June 2021. Collection method: clinical testing. Allele origin: germline. Affected: yes.

CHEO Genetics Diagnostic Laboratory, Children's Hospital of Eastern Ontario
Classification: Benign for Familial thoracic aortic aneurysm and aortic dissection. Last evaluated: 2017-05-24. Review status: criteria provided, single submitter. Criteria: ACMG Guidelines, 2015. Collection method: clinical testing. Allele origin: germline. Study: Canadian Open Genetics Repository.

Ambry Genetics
Classification: Likely benign for Familial thoracic aortic aneurysm and aortic dissection. Last evaluated: 2016-01-12. Review status: criteria provided, single submitter. Criteria: Ambry Variant Classification Scheme 2023. Collection method: clinical testing. Allele origin: germline.

PreventionGenetics, part of Exact Sciences
Classification: Benign for NOTCH1-related condition. Last evaluated: 2022-09-15. Review status: no assertion criteria provided. Collection method: clinical testing. Allele origin: germline. Not counted in ClinVar's aggregate classification.
Comment: This variant is classified as benign based on ACMG/AMP sequence variant interpretation guidelines (Richards et al. 2015 PMID: 25741868, with internal and published modifications).

Literature cited by the submitters: PubMed 24943832 (cited by Women's Health and Genetics/Laboratory Corporation of America, LabCorp); PubMed 16614245 (cited by Women's Health and Genetics/Laboratory Corporation of America, LabCorp); PubMed 21670202 (cited by Women's Health and Genetics/Laboratory Corporation of America, LabCorp); PubMed 22210878 (cited by Women's Health and Genetics/Laboratory Corporation of America, LabCorp); PubMed 19635999 (cited by Women's Health and Genetics/Laboratory Corporation of America, LabCorp); PubMed 26837699 (cited by Women's Health and Genetics/Laboratory Corporation of America, LabCorp); PubMed 23086750 (cited by Women's Health and Genetics/Laboratory Corporation of America, LabCorp); PubMed 19245433 (cited by Women's Health and Genetics/Laboratory Corporation of America, LabCorp); PubMed 22077063 (cited by Women's Health and Genetics/Laboratory Corporation of America, LabCorp); PubMed 15472075 (cited by Women's Health and Genetics/Laboratory Corporation of America, LabCorp); PubMed 23734977 (cited by Women's Health and Genetics/Laboratory Corporation of America, LabCorp); PubMed 22858860 (cited by Women's Health and Genetics/Laboratory Corporation of America, LabCorp).

NM_017617.5(NOTCH1):c.2124C>T (p.Tyr708=)

Gene: NOTCH1 (notch receptor 1; minus strand). Cytogenetic location: 9q34.3.
Variant type: single nucleotide variant.
Coding change: c.2124C>T on transcript NM_017617.5 (MANE Select); coding-DNA position 2124, C replaced by T.
Protein change: p.Tyr708=; no amino-acid change (tyrosine 708 retained).
Molecular consequence: synonymous variant.
Genome position (GRCh38, 1-based): chr9:136,514,593, G>A on the plus strand (C>T on the coding strand, the complement: NOTCH1 is on the minus strand). VCF-style: chr9-136514593-G-A. GRCh37 (hg19) VCF-style: chr9-139409045-G-A.
Other names: c.2124C>T, p.Tyr708= (LRG_1122t1); c.2124C>T (NM_017617.4).
Identifiers: ClinVar variation 415381 (VCV000415381.30), dbSNP rs376744729, ClinGen allele CA5341477.